The following is an entry in ClinVar:

NM_001134407.3(GRIN2A):c.4117G>C (p.Asp1373His)

Gene: GRIN2A (glutamate ionotropic receptor NMDA type subunit 2A; minus strand). Cytogenetic location: 16p13.2.
Variant type: single nucleotide variant.
Coding change: c.4117G>C on transcript NM_001134407.3 (MANE Select); coding-DNA position 4117, G replaced by C.
Protein change: p.Asp1373His; replaces aspartic acid 1373 with histidine.
Molecular consequence: missense variant. On other transcripts: synonymous variant (1).
Genome position (GRCh38, 1-based): chr16:9,763,427, C>G on the plus strand (G>C on the coding strand, the complement: GRIN2A is on the minus strand). VCF-style: chr16-9763427-C-G. GRCh37 (hg19) VCF-style: chr16-9857284-C-G.
Other names: c.4117G>C, p.Asp1373His (NM_000833.5); c.3774G>C, p.Gly1258= (NM_001134408.2); short protein forms D1373H.
Identifiers: ClinVar variation 2870265 (VCV002870265.3), dbSNP rs2141126477, ClinGen allele CA394706060.
Genomic context (GRCh38, chr16:9,763,427, plus strand): 5'-ATGGCAACGAGTGTTTGTAAGGGTCCGAGGGGCATCTCCCAATAACCAAGCGTTGGTCAT[C>G]CCTGTGGGAGTGGAGGAAAGGGTTATCGGAGGTGTGGTCTGGCAAGAGAGACTTGCTCCT-3'
Protein context (NP_001127879.1, residues 1363-1383): SDNPFLHSHR[Asp1373His]DQRLVIGRCP

ClinVar aggregate classification (germline): Uncertain significance (1 of 4 stars; one submission).

Conditions:
Landau-Kleffner syndrome (FESD). Also called: EPILEPSY, FOCAL, WITH SPEECH DISORDER AND WITH OR WITHOUT MENTAL RETARDATION; APHASIA, ACQUIRED, WITH EPILEPSY. Identifiers: Orphanet 1945, Orphanet 725, Orphanet 98818, MedGen C0282512, MONDO:0009509, OMIM 245570.

Submission:

Labcorp Genetics (formerly Invitae), Labcorp
Classification: Uncertain significance for Landau-Kleffner syndrome. Last evaluated: 2023-05-30. Review status: criteria provided, single submitter. Criteria: Invitae Variant Classification Sherloc (09022015). Collection method: clinical testing. Allele origin: germline.
Comment: Advanced modeling of protein sequence and biophysical properties (such as structural, functional, and spatial information, amino acid conservation, physicochemical variation, residue mobility, and thermodynamic stability) performed at Invitae indicates that this missense variant is not expected to disrupt GRIN2A protein function. In summary, the available evidence is currently insufficient to determine the role of this variant in disease. Therefore, it has been classified as a Variant of Uncertain Significance. This variant has not been reported in the literature in individuals affected with GRIN2A-related conditions. This variant is not present in population databases (gnomAD no frequency). This sequence change replaces aspartic acid, which is acidic and polar, with histidine, which is basic and polar, at codon 1373 of the GRIN2A protein (p.Asp1373His).